The following is an entry in ClinVar:

NM_000218.3(KCNQ1):c.603_604+9del

Gene: KCNQ1 (potassium voltage-gated channel subfamily Q member 1; plus strand). Cytogenetic location: 11p15.5.
Variant type: Deletion.
Coding change: c.603_604+9del on transcript NM_000218.3 (MANE Select); coding-DNA position 603 through 9 bases into the intron after coding-DNA position 604, 11 bases deleted (CGGTGAGTCAT).
Molecular consequence: splice donor variant. On other transcripts: intron variant (1).
Genome position (GRCh38, 1-based): chr11:2,570,753-2,570,763, CGGTGAGTCAT deleted; deleting any 11 consecutive bases within chr11:2,570,749-2,570,763 gives the same sequence; the c. name uses the placement nearest the transcript's 3' end. VCF-style (leftmost placement, unchanged base first): chr11-2570748-ATCATCGGTGAG-A. GRCh37 (hg19) VCF-style: chr11-2591978-ATCATCGGTGAG-A.
Other names: c.603_604+9del (NM_000218.2, NM_001406836.1); c.603_604+9delCGGTGAGTCAT (NM_000218.2); c.333_334+9del (NM_001406837.1); c.478-12682_478-12672del (NM_001406838.1); c.222_223+9del (NM_181798.2).
Identifiers: ClinVar variation 200912 (VCV000200912.14), dbSNP rs794728580, ClinGen allele CA306117.
Genomic context (GRCh38, chr11:2,570,748, plus strand): 5'-TGCCGCAGCAAGTACGTGGGCCTCTGGGGGCGGCTGCGCTTTGCCCGGAAGCCCATTTCC[ATCATCGGTGAG>A]TCATGCCTGCCCTGTGGAGGTCACGCCCAGGTTTCCAGACCAGGAAGGACCCCCACCTCA-3'

ClinVar aggregate classification (germline): Pathogenic/Likely pathogenic. Review status: criteria provided, multiple submitters, no conflicts (2 of 4 stars). 4 submissions from 3 submitters: Pathogenic (2); Likely pathogenic (2). Last evaluated 2022-12-28.

Conditions:
Cardiovascular phenotype. Identifiers: MedGen CN230736.
Long QT syndrome (LQTS). Identifiers: MedGen C0023976, MeSH D008133, MONDO:0002442. Disease mechanism: loss of function. Inheritance: Various modes of inheritance.
Long QT syndrome 1 (LQT1). Identifiers: Orphanet 101016, Orphanet 768, MedGen C4551647, MONDO:0100316, OMIM 192500, MONDO:0008646.

Submissions (4):

Molecular Diagnostic Laboratory for Inherited Cardiovascular Disease, Montreal Heart Institute
Classification: Pathogenic for Cardiovascular phenotype. Last evaluated: 2022-12-28. Review status: criteria provided, single submitter. Criteria: ACMG Guidelines, 2015. Collection method: clinical testing. Allele origin: germline. Affected: yes.

Labcorp Genetics (formerly Invitae), Labcorp
Classification: Likely pathogenic for Long QT syndrome. Last evaluated: 2022-06-08. Review status: criteria provided, single submitter. Criteria: Invitae Variant Classification Sherloc (09022015). Collection method: clinical testing. Allele origin: germline.
Comment: In summary, the currently available evidence indicates that the variant is pathogenic, but additional data are needed to prove that conclusively. Therefore, this variant has been classified as Likely Pathogenic. Algorithms developed to predict the effect of sequence changes on RNA splicing suggest that this variant may disrupt the consensus splice site. ClinVar contains an entry for this variant (Variation ID: 200912). This variant has not been reported in the literature in individuals affected with KCNQ1-related conditions. This variant is not present in population databases (gnomAD no frequency). This variant results in the deletion of part of exon 3 (c.603_604+9del) of the KCNQ1 gene. It is expected to disrupt RNA splicing. Variants that disrupt the donor or acceptor splice site typically lead to a loss of protein function (PMID: 16199547), and loss-of-function variants in KCNQ1 are known to be pathogenic (PMID: 9323054, 19862833).

GeneDx
Classification: Likely pathogenic. Last evaluated: 2020-10-07. Review status: criteria provided, single submitter. Criteria: GeneDx Variant Classification Process June 2021. Collection method: clinical testing. Allele origin: germline. Affected: yes.
Comment: Has not been previously published as pathogenic or benign to our knowledge; Not observed in large population cohorts (Lek et al., 2016); Canonical splice site variant predicted to result in a null allele in a gene for which loss-of-function is a known mechanism of disease

Molecular Diagnostic Laboratory for Inherited Cardiovascular Disease, Montreal Heart Institute
Classification: Pathogenic for Long QT syndrome 1. Last evaluated: 2020-02-11. Review status: criteria provided, single submitter. Criteria: ACMG Guidelines, 2015. Collection method: clinical testing. Allele origin: germline. Affected: yes.

Literature cited by the submitters: PubMed 16199547 (cited by Labcorp Genetics (formerly Invitae), Labcorp); PubMed 9323054 (cited by Labcorp Genetics (formerly Invitae), Labcorp); PubMed 19862833 (cited by Labcorp Genetics (formerly Invitae), Labcorp).